The following is an entry in ClinVar:

ClinVar aggregate classification (germline): Uncertain significance. Review status: criteria provided, multiple submitters, no conflicts (2 of 4 stars). 2 submissions from 2 submitters: Uncertain significance (2). Last evaluated 2023-08-31.

Conditions:
Bethlem myopathy 1A. Also called: Bethlem myopathy 1; MYOPATHY, BENIGN CONGENITAL, WITH CONTRACTURES; Bethlem Muscular Dystrophy. Identifiers: Orphanet 610, MedGen CN029274, MONDO:0024530, OMIM 158810.

Allele frequency attached by ClinVar (database versions not stated): TOPMed 0.00001; ESP Exome Variant Server 0.00008.
gnomAD v4.1: 34 of 1,614,190 alleles (0.0021%); highest among the groups gnomAD compares: Non-Finnish European, 0.0028%; no homozygotes.

Submissions (2):

Labcorp Genetics (formerly Invitae), Labcorp
Classification: Uncertain significance for Bethlem myopathy 1A. Last evaluated: 2023-08-31. Review status: criteria provided, single submitter. Criteria: Invitae Variant Classification Sherloc (09022015). Collection method: clinical testing. Allele origin: germline.
Comment: In summary, the available evidence is currently insufficient to determine the role of this variant in disease. Therefore, it has been classified as a Variant of Uncertain Significance. Advanced modeling of protein sequence and biophysical properties (such as structural, functional, and spatial information, amino acid conservation, physicochemical variation, residue mobility, and thermodynamic stability) performed at Invitae indicates that this missense variant is not expected to disrupt COL6A3 protein function. ClinVar contains an entry for this variant (Variation ID: 1918062). This variant has not been reported in the literature in individuals affected with COL6A3-related conditions. This variant is not present in population databases (gnomAD no frequency). This sequence change replaces proline, which is neutral and non-polar, with glutamine, which is neutral and polar, at codon 1486 of the COL6A3 protein (p.Pro1486Gln).

Revvity Omics, Revvity
Classification: Uncertain significance. Last evaluated: 2022-09-13. Review status: criteria provided, single submitter. Criteria: ACMG Guidelines, 2015. Collection method: clinical testing. Allele origin: germline.

NM_004369.4(COL6A3):c.4457C>A (p.Pro1486Gln)

Gene: COL6A3 (collagen type VI alpha 3 chain; minus strand). Cytogenetic location: 2q37.3.
Variant type: single nucleotide variant.
Coding change: c.4457C>A on transcript NM_004369.4 (MANE Select); coding-DNA position 4457, C replaced by A.
Protein change: p.Pro1486Gln; replaces proline 1486 with glutamine.
Molecular consequence: missense variant.
Genome position (GRCh38, 1-based): chr2:237,369,006, G>T on the plus strand (C>A on the coding strand, the complement: COL6A3 is on the minus strand). VCF-style: chr2-237369006-G-T. GRCh37 (hg19) VCF-style: chr2-238277649-G-T.
Other names: c.2636C>A, p.Pro879Gln (NM_057166.5); c.3839C>A, p.Pro1280Gln (NM_057167.4); short protein forms P1280Q, P1486Q, P879Q.
Identifiers: ClinVar variation 1918062 (VCV001918062.8), dbSNP rs373597770, ClinGen allele CA67816690.